The following is an entry in ClinVar:

NM_003086.4(SNAPC4):c.3663G>C (p.Thr1221=)

Gene: SNAPC4 (small nuclear RNA activating complex polypeptide 4; minus strand). Cytogenetic location: 9q34.3.
Variant type: single nucleotide variant.
Coding change: c.3663G>C on transcript NM_003086.4 (MANE Select); coding-DNA position 3663, G replaced by C.
Protein change: p.Thr1221=; no amino-acid change (threonine 1221 retained).
Molecular consequence: synonymous variant.
Genome position (GRCh38, 1-based): chr9:136,378,164, C>G on the plus strand (G>C on the coding strand, the complement: SNAPC4 is on the minus strand). VCF-style: chr9-136378164-C-G. GRCh37 (hg19) VCF-style: chr9-139272616-C-G.
Other names: c.3663G>C, p.Thr1221= (NM_001394201.1); c.3579G>C, p.Thr1193= (NM_001394202.1, NM_001394203.1).
Identifiers: ClinVar variation 4872096 (VCV004872096.2).

ClinVar aggregate classification (germline): Likely benign (1 of 4 stars; one submission).

Submission:

CeGaT Center for Human Genetics Tuebingen
Classification: Likely benign. Last evaluated: 2026-05-01. Review status: criteria provided, single submitter. Criteria: CeGaT Center For Human Genetics Tuebingen Variant Classification Criteria Version 2. Collection method: clinical testing. Allele origin: germline. Affected: yes. Observed: 1 variant allele.
Comment: SNAPC4: PM2:Supporting, BP4, BP7